The following is an entry in ClinVar:

ClinVar aggregate classification (germline): Uncertain significance (1 of 4 stars; one submission).

gnomAD v4.1: 2 of 1,210,668 alleles (0.00017%); highest among the groups gnomAD compares: South Asian, 0.0035%; no homozygotes.

Submission:

GeneDx
Classification: Uncertain significance. Last evaluated: 2025-05-09. Review status: criteria provided, single submitter. Criteria: GeneDx Variant Classification Process June 2021. Collection method: clinical testing. Allele origin: germline. Affected: yes.
Comment: Not observed at significant frequency in large population cohorts (gnomAD); In silico analysis supports that this missense variant has a deleterious effect on protein structure/function; Has not been previously published as pathogenic or benign to our knowledge

NM_004006.3(DMD):c.9741G>T (p.Gln3247His)

Gene: DMD (dystrophin; minus strand). Cytogenetic location: Xp21.2.
Variant type: single nucleotide variant.
Coding change: c.9741G>T on transcript NM_004006.3 (MANE Select); coding-DNA position 9741, G replaced by T.
Protein change: p.Gln3247His; replaces glutamine 3247 with histidine.
Molecular consequence: missense variant.
Genome position (GRCh38, 1-based): chrX:31,204,027, C>A on the plus strand (G>T on the coding strand, the complement: DMD is on the minus strand). VCF-style: chrX-31204027-C-A. GRCh37 (hg19) VCF-style: chrX-31222144-C-A.
Other names: c.9717G>T, p.Gln3239His (NM_000109.4); c.9729G>T, p.Gln3243His (NM_004009.3); c.9372G>T, p.Gln3124His (NM_004010.3); c.5718G>T, p.Gln1906His (NM_004011.4); c.5709G>T, p.Gln1903His (NM_004012.4); c.2361G>T, p.Gln787His (NM_004013.3, NM_004020.4, NM_004021.3 and 2 more transcripts); c.1554G>T, p.Gln518His (NM_004014.3); c.537G>T, p.Gln179His (NM_004015.3, NM_004016.3, NM_004017.3 and 2 more transcripts); short protein forms Q179H, Q1903H, Q1906H, Q3124H, Q3239H, Q3243H, Q3247H, Q518H.
Identifiers: ClinVar variation 4527065 (VCV004527065.1).